The following is an entry in ClinVar:

ClinVar aggregate classification (germline): Pathogenic (1 of 4 stars; one submission).

Conditions:
Polycystic kidney disease, adult type (PKD1). Also called: Polycystic Kidney Disease 1, Autosomal Dominant; Polycystic kidney disease 1; Polycystic kidney disease 1, severe; POLYCYSTIC KIDNEY DISEASE, ADULT, TYPE I; Polycystic Kidney, Autosomal Dominant; POLYCYSTIC KIDNEY DISEASE 1 WITH OR WITHOUT POLYCYSTIC LIVER DISEASE. Identifiers: MedGen C3149841, MONDO:0008263, OMIM 173900.

Submission:

Victorian Clinical Genetics Services, Murdoch Childrens Research Institute
Classification: Pathogenic for Polycystic kidney disease, adult type. Last evaluated: 2026-05-25. Review status: criteria provided, single submitter. Criteria: ACMG Guidelines, 2015. Collection method: clinical testing. Allele origin: germline. Affected: yes.
Comment: This variant is classified as Pathogenic. Evidence in support of pathogenic classification: Variant is predicted to cause nonsense-mediated decay (NMD) and loss of protein (premature termination codon is located at least 54 nucleotides upstream of the final exon-exon junction); Variant is absent from gnomAD (v2, v3 and v4); Other NMD-predicted variants comparable to the one identified in this case have very strong previous evidence for pathogenicity (DECIPHER); Additional information: This variant is heterozygous; This gene is associated with autosomal dominant disease. Polycystic kidney disease 1 (MIM#173900) is predominantly caused by monoallelic variants, with rare reports of biallelic variants causing disease (OMIM); This variant has no previous evidence of pathogenicity; No published evidence of segregation with disease has been identified for this variant; No published functional evidence has been identified for this variant; Loss of function is a known mechanism of disease in this gene and is associated with polycystic kidney disease 1 (MIM#173900).

NM_001009944.3(PKD1):c.10203del (p.Leu3402fs)

Gene: PKD1 (polycystin 1, transient receptor potential channel interacting; minus strand). Cytogenetic location: 16p13.3.
Variant type: Deletion.
Coding change: c.10203del on transcript NM_001009944.3 (MANE Select); coding-DNA position 10203, one base deleted (T; older notation c.10203delT).
Protein change: p.Leu3402fs; shifts the reading frame from leucine 3402.
Molecular consequence: frameshift variant.
Genome position (GRCh38, 1-based): chr16:2,097,745, A deleted on the plus strand (T on the coding strand, the reverse complement: PKD1 is on the minus strand); the first of 3 consecutive A bases (chr16:2,097,745-2,097,747); deleting any one gives the same sequence. VCF-style (leftmost placement, unchanged base first): chr16-2097744-GA-G. GRCh37 (hg19) VCF-style: chr16-2147745-GA-G.
Other names: c.10200del, p.Leu3401fs (NM_000296.4); short protein forms L3401fs, L3402fs.
Identifiers: ClinVar variation 4879609 (VCV004879609.1).